The following is an entry in ClinVar:

ClinVar aggregate classification (germline): Pathogenic (1 of 4 stars; one submission).

Conditions:
Kabuki syndrome 1 (KABUK1). Also called: KMT2D-Related Kabuki Syndrome. Identifiers: Orphanet 2322, MedGen CN030661, MONDO:0007843, OMIM 147920.

Submission:

Pele Pequeno Principe Research Institute, Faculdades Pequeno Principe
Classification: Pathogenic for Kabuki syndrome 1. Review status: criteria provided, single submitter. Criteria: ACMG Guidelines, 2015. Collection method: research. Allele origin: germline. Inheritance: Autosomal dominant inheritance. Affected: yes. Observed: 1 heterozygote.
Comment: The KMT2D:c.5084delG variant consists of a single-nucleotide deletion of guanine (G) at the cDNA level, which induces a frameshift and generates a premature termination codon, resulting in the predicted protein change (p.Gly1695fs). This alteration is expected to produce a truncated protein and is consistent with a loss-of-function (LoF) mechanism, which is well established as pathogenic for KMT2D. Internal data confirm that the variant occurred de novo. According to the Genome Aggregation Database (gnomAD), this variant is absent from population datasets. The association between truncating KMT2D variants and Kabuki syndrome is documented in the literature (PMIDs: 32668765, 39202303).

Literature cited by the submitters: PubMed 32668765; PubMed 39202303.

NM_003482.4(KMT2D):c.5084delG

Gene: KMT2D (lysine methyltransferase 2D; minus strand). Cytogenetic location: 12q13.12.
Variant type: Deletion.
Coding change: c.5084delG on transcript NM_003482.4 (MANE Select); coding-DNA position 5084, one base deleted (G).
Molecular consequence: splice acceptor variant.
Genome position (GRCh38, 1-based): chr12:49,044,304, C deleted on the plus strand (G on the coding strand, the reverse complement: KMT2D is on the minus strand); the first of 2 consecutive C bases (chr12:49,044,304-49,044,305); deleting either gives the same sequence. VCF-style (leftmost placement, unchanged base first): chr12-49044303-GC-G. GRCh37 (hg19) VCF-style: chr12-49438086-GC-G.
Identifiers: ClinVar variation 4537465 (VCV004537465.1).
Genomic context (GRCh38, chr12:49,044,303, plus strand): 5'-AGCAGGCCCCTTTTTCGTGCGTGTGTGGGATTTCCGCTGTCGCACCATGAAACCACCAAT[GC>G]CTATGAGGAGGCAGAGTTGTGGATGAGAAGCCGCTGGGGGACCTATTGAGCTGCCCCGCA-3'